The following is an entry in ClinVar:

NM_001134363.3(RBM20):c.2599G>A (p.Gly867Ser)

Gene: RBM20 (RNA binding motif protein 20; plus strand). Cytogenetic location: 10q25.2.
Variant type: single nucleotide variant.
Coding change: c.2599G>A on transcript NM_001134363.3 (MANE Select); coding-DNA position 2599, G replaced by A.
Protein change: p.Gly867Ser; replaces glycine 867 with serine.
Molecular consequence: missense variant.
Genome position (GRCh38, 1-based): chr10:110,820,120, G>A. VCF-style: chr10-110820120-G-A. GRCh37 (hg19) VCF-style: chr10-112579878-G-A.
Other names: c.2599G>A (NM_001134363.1); short protein forms G867S.
Identifiers: ClinVar variation 1013631 (VCV001013631.9), dbSNP rs1218437735, ClinGen allele CA378376831.

ClinVar aggregate classification (germline): Uncertain significance. Review status: criteria provided, multiple submitters, no conflicts (2 of 4 stars). 3 submissions from 3 submitters: Uncertain significance (3). Last evaluated 2025-05-06.

Conditions:
Cardiovascular phenotype. Identifiers: MedGen CN230736.
Dilated cardiomyopathy 1DD (CMD1DD). Identifiers: Orphanet 154, MedGen C2750995, MONDO:0013168, OMIM 613172.

Allele frequency attached by ClinVar (database versions not stated): gnomAD exomes 0.00001; TOPMed 0.00001; gnomAD 0.00002.
gnomAD v4.1: 14 of 1,551,338 alleles (0.0009%); highest among the groups gnomAD compares: Non-Finnish European, 0.001%; no homozygotes.

Submissions (3):

Labcorp Genetics (formerly Invitae), Labcorp
Classification: Uncertain significance for Dilated cardiomyopathy 1DD. Last evaluated: 2025-05-06. Review status: criteria provided, single submitter. Criteria: Invitae Variant Classification Sherloc (09022015). Collection method: clinical testing. Allele origin: germline.
Comment: This sequence change replaces glycine, which is neutral and non-polar, with serine, which is neutral and polar, at codon 867 of the RBM20 protein (p.Gly867Ser). This variant is present in population databases (no rsID available, gnomAD 0.007%). This variant has not been reported in the literature in individuals affected with RBM20-related conditions. ClinVar contains an entry for this variant (Variation ID: 1013631). Invitae Evidence Modeling of protein sequence and biophysical properties (such as structural, functional, and spatial information, amino acid conservation, physicochemical variation, residue mobility, and thermodynamic stability) indicates that this missense variant is not expected to disrupt RBM20 protein function with a negative predictive value of 95%. In summary, the available evidence is currently insufficient to determine the role of this variant in disease. Therefore, it has been classified as a Variant of Uncertain Significance.

GeneDx
Classification: Uncertain significance. Last evaluated: 2025-02-11. Review status: criteria provided, single submitter. Criteria: GeneDx Variant Classification Process June 2021. Collection method: clinical testing. Allele origin: germline. Affected: yes.
Comment: Not observed at significant frequency in large population cohorts (gnomAD); In silico analysis indicates that this missense variant does not alter protein structure/function; Has not been previously published as pathogenic or benign to our knowledge

Ambry Genetics
Classification: Uncertain significance for Cardiovascular phenotype. Last evaluated: 2024-09-22. Review status: criteria provided, single submitter. Criteria: Ambry Variant Classification Scheme 2023. Collection method: clinical testing. Allele origin: germline.
Comment: The p.G867S variant (also known as c.2599G>A), located in coding exon 10 of the RBM20 gene, results from a G to A substitution at nucleotide position 2599. The glycine at codon 867 is replaced by serine, an amino acid with similar properties. This amino acid position is conserved. In addition, this alteration is predicted to be tolerated by in silico analysis. Based on the available evidence, the clinical significance of this variant remains unclear.